The following is an entry in ClinVar:

NM_005591.4(MRE11):c.793C>A (p.Gln265Lys)

Gene: MRE11 (MRE11 double strand break repair nuclease; minus strand). Cytogenetic location: 11q21.
Variant type: single nucleotide variant.
Coding change: c.793C>A on transcript NM_005591.4 (MANE Select); coding-DNA position 793, C replaced by A.
Protein change: p.Gln265Lys; replaces glutamine 265 with lysine.
Molecular consequence: missense variant.
Genome position (GRCh38, 1-based): chr11:94,471,626, G>T on the plus strand (C>A on the coding strand, the complement: MRE11 is on the minus strand). VCF-style: chr11-94471626-G-T. GRCh37 (hg19) VCF-style: chr11-94204792-G-T.
Other names: c.793C>A, p.Gln265Lys (NM_001330347.2, NM_005590.4); short protein forms Q265K.
Identifiers: ClinVar variation 3912888 (VCV003912888.1).

ClinVar aggregate classification (germline): Uncertain significance (1 of 4 stars; one submission).

Conditions:
Hereditary cancer-predisposing syndrome. Also called: Hereditary Cancer Syndrome; Hereditary neoplastic syndrome; Neoplastic Syndromes, Hereditary; Tumor predisposition. Identifiers: Orphanet 140162, MedGen C0027672, MeSH D009386, MONDO:0015356.

Submission:

Ambry Genetics
Classification: Uncertain significance for Hereditary cancer-predisposing syndrome. Last evaluated: 2025-05-23. Review status: criteria provided, single submitter. Criteria: Ambry Variant Classification Scheme 2023. Collection method: clinical testing. Allele origin: germline.
Comment: The p.Q265K variant (also known as c.793C>A), located in coding exon 7 of the MRE11A gene, results from a C to A substitution at nucleotide position 793. The glutamine at codon 265 is replaced by lysine, an amino acid with similar properties. This amino acid position is conserved. In addition, this alteration is predicted to be deleterious by in silico analysis. Based on the available evidence, the clinical significance of this variant remains unclear.